The following is an entry in ClinVar:

NM_000257.4(MYH7):c.3337-4dup

Gene: MYH7 (myosin heavy chain 7; minus strand). Cytogenetic location: 14q11.2.
Variant type: Duplication.
Coding change: c.3337-4dup on transcript NM_000257.4 (MANE Select); 4 bases into the intron before coding-DNA position 3337, one base duplicated (C; older notation c.3337-4dupC).
Genome position (GRCh38, 1-based): chr14:23,420,237, G duplicated on the plus strand (C on the coding strand, the reverse complement: MYH7 is on the minus strand); the first of 2 consecutive G bases (chr14:23,420,237-23,420,238); duplicating either gives the same sequence. VCF-style (leftmost placement, unchanged base first): chr14-23420236-T-TG. GRCh37 (hg19) VCF-style: chr14-23889445-T-TG.
Other names: NM_000257.3(MYH7):c.3337-3dupC; p.?; c.3337-3_3337-2insC (NM_000257.2); c.3337-3dupC (NM_000257.3, NM_000257.2); c.3337-4dupC (NM_000257.2); c.3337-3dup (NM_000257.4).
Identifiers: ClinVar variation 42956 (VCV000042956.48), dbSNP rs45504498, ClinGen allele CA013590.

ClinVar aggregate classification (germline): Benign. Review status: reviewed by expert panel (3 of 4 stars). 25 submissions from 24 submitters: Benign (1). 24 of the submissions do not count toward it. Last evaluated 2025-11-11.

Conditions:
Cardiovascular phenotype. Identifiers: MedGen CN230736.
Cardiomyopathy (CMYO). Also called: Cardiomyopathies. Identifiers: Orphanet 167848, MedGen C0878544, MONDO:0004994, HP:0001638. Inheritance: Various modes of inheritance.
Hypertrophic cardiomyopathy 1 (CMH1). Also called: MYH7-Related Familial Hypertrophic Cardiomyopathy; Familial hypertrophic cardiomyopathy 1. Identifiers: MedGen C3495498, MONDO:0008647, OMIM 192600.
Dilated cardiomyopathy 1S (CMD1S). Identifiers: Orphanet 154, Orphanet 54260, MedGen C1834481, MONDO:0013262, OMIM 613426.
Hypertrophic cardiomyopathy. Also called: HYPERTROPHIC MYOCARDIOPATHY. Identifiers: Orphanet 217569, MedGen C0007194, MeSH D002312, MONDO:0005045, HP:0001639.

Submissions (25):

ClinGen Cardiomyopathy Variant Curation Expert Panel
Classification: Benign for Hypertrophic cardiomyopathy. Last evaluated: 2025-11-11. Review status: reviewed by expert panel. Criteria: ClinGen CMP ACMG Specifications v1. Collection method: curation. Allele origin: germline. Inheritance: Autosomal dominant inheritance.
Comment: The filtering allele frequency of the c.3337-3dupC variant in the MYH7 gene is 0.23% (146/54400) of European chromosomes by the Exome Aggregation Consortium, which is a high enough frequency to be classified as benign based on thresholds defined by the ClinGen Inherited Cardiomyopathy Expert Panel (BA1; PMID:29300372).

Labcorp Genetics (formerly Invitae), Labcorp
Classification: Benign for Hypertrophic cardiomyopathy. Last evaluated: 2026-02-04. Review status: criteria provided, single submitter. Criteria: Invitae Variant Classification Sherloc (09022015). Collection method: clinical testing. Allele origin: germline. Not counted in ClinVar's aggregate classification.

ARUP Laboratories, Molecular Genetics and Genomics, ARUP Laboratories
Classification: Benign. Last evaluated: 2025-07-17. Review status: criteria provided, single submitter. Criteria: ARUP Molecular Germline Variant Investigation Process 2024. Collection method: clinical testing. Allele origin: germline. Not counted in ClinVar's aggregate classification.

Color Diagnostics, LLC DBA Color Health
Classification: Benign for Cardiomyopathy. Last evaluated: 2025-07-15. Review status: criteria provided, single submitter. Criteria: ACMG Guidelines, 2015. Collection method: clinical testing. Allele origin: germline. Not counted in ClinVar's aggregate classification.

Molecular Diagnostic Laboratory for Inherited Cardiovascular Disease, Montreal Heart Institute
Classification: Benign. Last evaluated: 2025-04-08. Review status: criteria provided, single submitter. Criteria: ACMG Guidelines, 2015. Collection method: clinical testing. Allele origin: germline. Affected: no. Not counted in ClinVar's aggregate classification.

Blueprint Genetics
Classification: Benign. Last evaluated: 2024-11-27. Review status: criteria provided, single submitter. Criteria: ACMG Guidelines, 2015. Collection method: clinical testing. Allele origin: germline. Not counted in ClinVar's aggregate classification.

Mayo Clinic Laboratories, Mayo Clinic
Classification: Benign. Last evaluated: 2023-05-17. Review status: criteria provided, single submitter. Criteria: ACMG Guidelines, 2015. Collection method: clinical testing. Allele origin: germline. Observed: 323 variant alleles. Not counted in ClinVar's aggregate classification.
Comment: BA1

Cohesion Phenomics
Classification: Benign for Hypertrophic Cardiomyopathy. Last evaluated: 2022-10-10. Review status: criteria provided, single submitter. Criteria: ACMG Guidelines, 2015. Collection method: clinical testing. Allele origin: germline. Affected: yes. Not counted in ClinVar's aggregate classification.

Mendelics
Classification: Likely benign for Hypertrophic cardiomyopathy 1. Last evaluated: 2019-05-28. Review status: criteria provided, single submitter. Criteria: Mendelics Assertion Criteria 2017. Collection method: clinical testing. Allele origin: unknown. Not counted in ClinVar's aggregate classification.

Institute of Human Genetics, University of Leipzig Medical Center
Classification: Benign for Dilated cardiomyopathy 1S. Last evaluated: 2019-01-01. Review status: criteria provided, single submitter. Criteria: ACMG Guidelines, 2015. Collection method: clinical testing. Allele origin: unknown. Affected: yes. Not counted in ClinVar's aggregate classification.

Institute for Genomic Medicine (IGM) Clinical Laboratory, Nationwide Children's Hospital
Classification: Benign. Last evaluated: 2017-05-12. Review status: criteria provided, single submitter. Criteria: ACMG Guidelines, 2015. Collection method: clinical testing. Allele origin: germline. Not counted in ClinVar's aggregate classification.
Comment: BA1,BP6; This alteration has an allele frequency that is greater than 5% healthy populations (ExAC/gnomAD), and was reported as a benign/likely benign alteration by a reputable source (ClinVar or other correspondence from a clinical testing laboratory).

CHEO Genetics Diagnostic Laboratory, Children's Hospital of Eastern Ontario
Classification: Benign for Cardiomyopathy. Last evaluated: 2016-03-22. Review status: criteria provided, single submitter. Criteria: ACMG Guidelines, 2015. Collection method: clinical testing. Allele origin: germline. Study: Canadian Open Genetics Repository. Not counted in ClinVar's aggregate classification.

Genomic Diagnostic Laboratory, Division of Genomic Diagnostics, Children's Hospital of Philadelphia
Classification: Likely benign for Familial hypertrophic cardiomyopathy 1. Last evaluated: 2015-07-21. Review status: criteria provided, single submitter. Criteria: DGD Variant Analysis Guidelines. Collection method: clinical testing. Allele origin: unknown. Not counted in ClinVar's aggregate classification.

Ambry Genetics
Classification: Benign for cardiovascular phenotype. Last evaluated: 2015-03-27. Review status: criteria provided, single submitter. Criteria: Ambry Autosomal Dominant and X-Linked criteria (10/2015). Collection method: clinical testing. Allele origin: germline. Observed: 1 variant allele. Not counted in ClinVar's aggregate classification.

GeneDx
Classification: Benign. Last evaluated: 2015-03-03. Review status: criteria provided, single submitter. Criteria: GeneDx Variant Classification Process June 2021. Collection method: clinical testing. Allele origin: germline. Affected: yes. Not counted in ClinVar's aggregate classification.

Eurofins Ntd Llc (ga)
Classification: Benign. Last evaluated: 2014-10-30. Review status: criteria provided, single submitter. Criteria: EGL Classification Definitions. Collection method: clinical testing. Allele origin: germline. Observed: 4 variant alleles, 3 heterozygotes, 1 homozygote. Not counted in ClinVar's aggregate classification.

Genetic Services Laboratory, University of Chicago
Classification: Benign. Last evaluated: 2014-01-30. Review status: criteria provided, single submitter. Criteria: ACMG Guidelines, 2007. Collection method: clinical testing. Allele origin: germline. Not counted in ClinVar's aggregate classification.

Laboratory for Molecular Medicine, Mass General Brigham Personalized Medicine
Classification: Benign. Last evaluated: 2006-10-28. Review status: criteria provided, single submitter. Criteria: LMM Criteria. Collection method: clinical testing. Allele origin: germline. Observed: 609 variant alleles. Not counted in ClinVar's aggregate classification.

PreventionGenetics, part of Exact Sciences
Classification: Likely benign. Review status: criteria provided, single submitter. Criteria: ACMG Guidelines, 2015. Collection method: clinical testing. Allele origin: germline. Not counted in ClinVar's aggregate classification.

Clinical Genetics DNA and cytogenetics Diagnostics Lab, Erasmus MC, Erasmus Medical Center
Classification: Benign. Review status: no assertion criteria provided. Collection method: clinical testing. Allele origin: germline. Affected: yes. Study: VKGL Data-share Consensus. Not counted in ClinVar's aggregate classification.

Department of Pathology and Laboratory Medicine, Sinai Health System
Classification: Uncertain significance. Review status: no assertion criteria provided. Collection method: clinical testing. Allele origin: unknown. Affected: yes. Study: The Canadian Open Genetics Repository (COGR). Not counted in ClinVar's aggregate classification.
Comment: Allele frequency is common in at least one population database (frequency: 6.007% in gnomAD_Genomes) based on the frequency threshold of 0.637% for this gene. Variant was observed in a homozygous state in population databases more than expected for disease.

Genome Diagnostics Laboratory, University Medical Center Utrecht
Classification: Benign. Review status: no assertion criteria provided. Collection method: clinical testing. Allele origin: germline. Affected: yes. Study: VKGL Data-share Consensus. Not counted in ClinVar's aggregate classification.

Joint Genome Diagnostic Labs from Nijmegen and Maastricht, Radboudumc and MUMC+
Classification: Benign. Review status: no assertion criteria provided. Collection method: clinical testing. Allele origin: germline. Affected: yes. Study: VKGL Data-share Consensus. Not counted in ClinVar's aggregate classification.

Laboratory of Diagnostic Genome Analysis, Leiden University Medical Center (LUMC)
Classification: Likely benign. Review status: no assertion criteria provided. Collection method: clinical testing. Allele origin: germline. Affected: yes. Study: VKGL Data-share Consensus. Not counted in ClinVar's aggregate classification.

Ambry Genetics
Classification: Benign for cardiovascular phenotype. Last evaluated: 2015-03-09. Review status: flagged submission. Criteria: Ambry Autosomal Dominant and X-Linked criteria (10/2015). Collection method: clinical testing. Allele origin: germline. Observed: 1 variant allele. Not counted in ClinVar's aggregate classification.
ClinVar note: Reason: This record appears to be redundant with a more recent record from the same submitter.
ClinVar note: Notes: SCV000317889 appears to be redundant with SCV000735051.

Literature cited by the submitters: PubMed 29300372 (cited by ClinGen Cardiomyopathy Variant Curation Expert Panel); PubMed 20474083 (cited by Ambry Genetics); PubMed 23233322 (cited by Eurofins Ntd Llc (ga)).